The following is an entry in ClinVar:

ClinVar aggregate classification (germline): Uncertain significance (1 of 4 stars; one submission).

Conditions:
Danon disease. Also called: ANTOPOL DISEASE; Glycogen Storage Disease Type IIb; PSEUDOGLYCOGENOSIS II; GSD IIb; LYSOSOMAL GLYCOGEN STORAGE DISEASE WITHOUT ACID MALTASE DEFICIENCY. Identifiers: Orphanet 34587, MedGen C0878677, MONDO:0010281, OMIM 300257.

Allele frequency attached by ClinVar (database versions not stated): gnomAD exomes below 0.00001 and 0.00001; TOPMed 0.00002; gnomAD 0.00003.
gnomAD v4.1: 4 of 1,209,552 alleles (0.00033%); highest among the groups gnomAD compares: African/African-American, 0.007%; no homozygotes.

Submission:

Labcorp Genetics (formerly Invitae), Labcorp
Classification: Uncertain significance for Danon disease. Last evaluated: 2023-10-04. Review status: criteria provided, single submitter. Criteria: Invitae Variant Classification Sherloc (09022015). Collection method: clinical testing. Allele origin: germline.
Comment: This sequence change replaces leucine, which is neutral and non-polar, with isoleucine, which is neutral and non-polar, at codon 376 of the LAMP2 protein (p.Leu376Ile). This variant is present in population databases (no rsID available, gnomAD 0.02%), including at least one homozygous and/or hemizygous individual. This variant has not been reported in the literature in individuals affected with LAMP2-related conditions. ClinVar contains an entry for this variant (Variation ID: 565821). Advanced modeling of protein sequence and biophysical properties (such as structural, functional, and spatial information, amino acid conservation, physicochemical variation, residue mobility, and thermodynamic stability) performed at Invitae indicates that this missense variant is not expected to disrupt LAMP2 protein function. In summary, the available evidence is currently insufficient to determine the role of this variant in disease. Therefore, it has been classified as a Variant of Uncertain Significance.

NM_002294.3(LAMP2):c.1126C>A (p.Leu376Ile)

Gene: LAMP2 (lysosome associated membrane protein 2; minus strand). Cytogenetic location: Xq24.
Variant type: single nucleotide variant.
Coding change: c.1126C>A on transcript NM_002294.3 (MANE Select); coding-DNA position 1126, C replaced by A.
Protein change: p.Leu376Ile; replaces leucine 376 with isoleucine.
Molecular consequence: missense variant. On other transcripts: intron variant (1).
Genome position (GRCh38, 1-based): chrX:120,431,430, G>T on the plus strand (C>A on the coding strand, the complement: LAMP2 is on the minus strand). VCF-style: chrX-120431430-G-T. GRCh37 (hg19) VCF-style: chrX-119565285-G-T.
Other names: c.1094-2804C>A (NM_001122606.1); short protein forms L376I.
Identifiers: ClinVar variation 565821 (VCV000565821.7), dbSNP rs1006753991, ClinGen allele CA335012344.